The following is an entry in ClinVar:

ClinVar aggregate classification (germline): Uncertain significance. Review status: criteria provided, multiple submitters, no conflicts (2 of 4 stars). 2 submissions from 2 submitters: Uncertain significance (2). Last evaluated 2022-10-24.

Conditions:
Leber congenital amaurosis 13 (LCA13). Identifiers: MedGen C2675186, MONDO:0012990, OMIM 612712.

Allele frequency attached by ClinVar (database versions not stated): TOPMed below 0.00001; gnomAD 0.00001; gnomAD exomes 0.00001.
gnomAD v4.1: 14 of 1,605,048 alleles (0.00087%); highest among the groups gnomAD compares: Non-Finnish European, 0.0012%; no homozygotes.

Submissions (2):

Labcorp Genetics (formerly Invitae), Labcorp
Classification: Uncertain significance for Leber congenital amaurosis 13. Last evaluated: 2022-10-24. Review status: criteria provided, single submitter. Criteria: Invitae Variant Classification Sherloc (09022015). Collection method: clinical testing. Allele origin: germline.
Comment: This sequence change replaces phenylalanine, which is neutral and non-polar, with leucine, which is neutral and non-polar, at codon 251 of the RDH12 protein (p.Phe251Leu). This variant is not present in population databases (gnomAD no frequency). This variant has not been reported in the literature in individuals affected with RDH12-related conditions. Advanced modeling of protein sequence and biophysical properties (such as structural, functional, and spatial information, amino acid conservation, physicochemical variation, residue mobility, and thermodynamic stability) performed at Invitae indicates that this missense variant is not expected to disrupt RDH12 protein function. In summary, the available evidence is currently insufficient to determine the role of this variant in disease. Therefore, it has been classified as a Variant of Uncertain Significance.

Blueprint Genetics
Classification: Uncertain significance. Last evaluated: 2019-10-10. Review status: criteria provided, single submitter. Criteria: ACMG Guidelines, 2015. Collection method: clinical testing. Allele origin: germline.

NM_152443.3(RDH12):c.751T>C (p.Phe251Leu)

Genes: GPHN (gephyrin; plus strand), RDH12 (retinol dehydrogenase 12; plus strand), ZFYVE26 (zinc finger FYVE-type containing 26; minus strand). Cytogenetic location: 14q24.1.
Variant type: single nucleotide variant.
Coding change: c.751T>C on transcript NM_152443.3 (MANE Select); coding-DNA position 751, T replaced by C.
Protein change: p.Phe251Leu; replaces phenylalanine 251 with leucine.
Molecular consequence: missense variant.
Genome position (GRCh38, 1-based): chr14:67,729,283, T>C. VCF-style: chr14-67729283-T-C. GRCh37 (hg19) VCF-style: chr14-68196000-T-C.
Other names: short protein forms F251L.
Identifiers: ClinVar variation 2194412 (VCV002194412.2), dbSNP rs2038234886, ClinGen allele CA390153029.
Genomic context (GRCh38, chr14:67,729,283, plus strand): 5'-GGCGTCGTCCGCTCTGAGCTGGTCCGGCACTCCTCCCTGCTCTGCCTGCTCTGGCGGCTC[T>C]TCTCCCCCTTTGTCAAGACGGCACGGGAGGGGGCGCAGACCAGCCTGCACTGCGCCCTGG-3'
Protein context (NP_689656.2, residues 241-261): SSLLCLLWRL[Phe251Leu]SPFVKTAREG